The following is an entry in ClinVar:

NM_007194.4(CHEK2):c.992del (p.Met331fs)

Gene: CHEK2 (checkpoint kinase 2; minus strand). Cytogenetic location: 22q12.1.
Variant type: Deletion.
Coding change: c.992del on transcript NM_007194.4 (MANE Select); coding-DNA position 992, one base deleted (T; older notation c.992delT).
Protein change: p.Met331fs; shifts the reading frame from methionine 331.
Molecular consequence: frameshift variant.
Genome position (GRCh38, 1-based): chr22:28,699,854, A deleted on the plus strand (T on the coding strand, the reverse complement: CHEK2 is on the minus strand). VCF-style (leftmost placement, unchanged base first): chr22-28699853-CA-C. GRCh37 (hg19) VCF-style: chr22-29095841-CA-C.
Other names: c.1121delT, p.Met374Serfs (NM_001005735.3); c.329delT, p.Met110Serfs (NM_001257387.3); c.791delT, p.Met264Serfs (NM_001349956.3); c.992delT, p.Met331Serfs (NM_145862.3); short protein forms M374fs, M110fs, M264fs, M331fs.
Identifiers: ClinVar variation 3266945 (VCV003266945.1).
Genomic context (GRCh38, chr22:28,699,853, plus strand): 5'-ACTAAAAGAAAGGCAGCTGTCAAAAGAATTGAGGGCTTCTTTTACCTGCACAGCCAAGAG[CA>C]TCTGGTAAAAATAGAGCTTGCAGGTAGCTTCTTTCAGGCGTTTATTCCCCACCACTTTGT-3'

ClinVar aggregate classification (germline): Pathogenic (1 of 4 stars; one submission).

Conditions:
Hereditary cancer-predisposing syndrome. Also called: Hereditary Cancer Syndrome; Tumor predisposition; Hereditary neoplastic syndrome; Neoplastic Syndromes, Hereditary. Identifiers: Orphanet 140162, MedGen C0027672, MeSH D009386, MONDO:0015356.

Submission:

Ambry Genetics
Classification: Pathogenic for Hereditary cancer-predisposing syndrome. Last evaluated: 2024-03-15. Review status: criteria provided, single submitter. Criteria: Ambry Variant Classification Scheme 2023. Collection method: clinical testing. Allele origin: germline.
Comment: The c.992delT pathogenic mutation, located in coding exon 8 of the CHEK2 gene, results from a deletion of one nucleotide at nucleotide position 992, causing a translational frameshift with a predicted alternate stop codon (p.M331Sfs*18). This variant is considered to be rare based on population cohorts in the Genome Aggregation Database (gnomAD). This alteration is expected to result in loss of function by premature protein truncation or nonsense-mediated mRNA decay. As such, this alteration is interpreted as a disease-causing mutation.